The following is an entry in ClinVar:

ClinVar aggregate classification (germline): Uncertain significance (1 of 4 stars; one submission).

Allele frequency attached by ClinVar (database versions not stated): gnomAD exomes 0.00001; ExAC 0.00002; gnomAD 0.00002; TOPMed 0.00003; ESP Exome Variant Server 0.00009; 1000 Genomes Project 30x 0.00021; 1000 Genomes Project 0.00026.

Submission:

Labcorp Genetics (formerly Invitae), Labcorp
Classification: Uncertain significance. Last evaluated: 2022-02-03. Review status: criteria provided, single submitter. Criteria: Invitae Variant Classification Sherloc (09022015). Collection method: clinical testing. Allele origin: germline.
Comment: This sequence change replaces methionine, which is neutral and non-polar, with valine, which is neutral and non-polar, at codon 1231 of the STAG2 protein (p.Met1231Val). In summary, the available evidence is currently insufficient to determine the role of this variant in disease. Therefore, it has been classified as a Variant of Uncertain Significance. This variant is present in population databases (rs182467825, gnomAD 0.02%), including at least one homozygous and/or hemizygous individual. This variant has not been reported in the literature in individuals affected with STAG2-related conditions. Algorithms developed to predict the effect of missense changes on protein structure and function are either unavailable or do not agree on the potential impact of this missense change (SIFT: "Deleterious"; PolyPhen-2: "Probably Damaging"; Align-GVGD: "Class C0").

NM_001042750.2(STAG2):c.3691A>G (p.Met1231Val)

Gene: STAG2 (STAG2 cohesin complex component; plus strand). Cytogenetic location: Xq25.
Variant type: single nucleotide variant.
Coding change: c.3691A>G on transcript NM_001042750.2 (MANE Select); coding-DNA position 3691, A replaced by G.
Protein change: p.Met1231Val; replaces methionine 1231 with valine.
Molecular consequence: missense variant.
Genome position (GRCh38, 1-based): chrX:124,094,130, A>G. VCF-style: chrX-124094130-A-G. GRCh37 (hg19) VCF-style: chrX-123227980-A-G.
Other names: c.3691A>G, p.Met1231Val (NM_001042749.2, NM_001375366.1, NM_001375367.1 and 5 more transcripts); c.3580A>G, p.Met1194Val (NM_001042751.2, NM_001282418.2, NM_001375373.1 and 5 more transcripts); short protein forms M1194V, M1231V.
Identifiers: ClinVar variation 1419626 (VCV001419626.8), dbSNP rs182467825, ClinGen allele CA10509191.